The following is an entry in ClinVar:

NM_001099403.2(PRDM8):c.1288C>T (p.Pro430Ser)

Gene: PRDM8 (PR/SET domain 8; plus strand). Cytogenetic location: 4q21.21.
Variant type: single nucleotide variant.
Coding change: c.1288C>T on transcript NM_001099403.2 (MANE Select); coding-DNA position 1288, C replaced by T.
Protein change: p.Pro430Ser; replaces proline 430 with serine.
Molecular consequence: missense variant.
Genome position (GRCh38, 1-based): chr4:80,202,750, C>T. VCF-style: chr4-80202750-C-T. GRCh37 (hg19) VCF-style: chr4-81123904-C-T.
Other names: c.1288C>T, p.Pro430Ser (NM_020226.4); short protein forms P430S.
Identifiers: ClinVar variation 838542 (VCV000838542.8), dbSNP rs979733757, ClinGen allele CA100000923.

ClinVar aggregate classification (germline): Uncertain significance. Review status: criteria provided, multiple submitters, no conflicts (2 of 4 stars). 3 submissions from 3 submitters: Uncertain significance (3). Last evaluated 2024-01-17.

Conditions:
Early-onset Lafora body disease. Also called: Epilepsy, progressive myoclonic, 10. Identifiers: Orphanet 324290, MedGen C4225258, MONDO:0014717, OMIM 616640.

Allele frequency attached by ClinVar (database versions not stated): gnomAD exomes 0.00002; TOPMed 0.00020.
gnomAD v4.1: 41 of 1,281,860 alleles (0.0032%); highest among the groups gnomAD compares: Admixed American, 0.059%; no homozygotes.

Submissions (3):

Ambry Genetics
Classification: Uncertain significance. Last evaluated: 2024-01-17. Review status: criteria provided, single submitter. Criteria: Ambry Variant Classification Scheme 2023. Collection method: clinical testing. Allele origin: germline.

Labcorp Genetics (formerly Invitae), Labcorp
Classification: Uncertain significance for Early-onset Lafora body disease. Last evaluated: 2022-04-29. Review status: criteria provided, single submitter. Criteria: Invitae Variant Classification Sherloc (09022015). Collection method: clinical testing. Allele origin: germline.
Comment: This sequence change replaces proline, which is neutral and non-polar, with serine, which is neutral and polar, at codon 430 of the PRDM8 protein (p.Pro430Ser). This variant is present in population databases (no rsID available, gnomAD no frequency). This variant has not been reported in the literature in individuals affected with PRDM8-related conditions. ClinVar contains an entry for this variant (Variation ID: 838542). Algorithms developed to predict the effect of missense changes on protein structure and function output the following: SIFT: "Tolerated"; PolyPhen-2: "Probably Damaging"; Align-GVGD: "Class C0". The serine amino acid residue is found in multiple mammalian species, which suggests that this missense change does not adversely affect protein function. In summary, the available evidence is currently insufficient to determine the role of this variant in disease. Therefore, it has been classified as a Variant of Uncertain Significance.

Baylor Genetics
Classification: Uncertain significance for Early-onset Lafora body disease. Last evaluated: 2018-01-22. Review status: criteria provided, single submitter. Criteria: ACMG Guidelines, 2015. Collection method: clinical testing. Allele origin: maternal. Affected: yes.
Comment: This variant was determined to be of uncertain significance according to ACMG Guidelines, 2015 [PMID:25741868].